The following is an entry in ClinVar:

ClinVar aggregate classification (germline): Uncertain significance (1 of 4 stars; one submission).

Allele frequency attached by ClinVar (database versions not stated): gnomAD exomes below 0.00001; gnomAD 0.00001.
gnomAD v4.1: 2 of 1,614,058 alleles (0.00012%); highest among the groups gnomAD compares: African/African-American, 0.0027%; no homozygotes.

Submission:

Ambry Genetics
Classification: Uncertain significance. Last evaluated: 2024-04-04. Review status: criteria provided, single submitter. Criteria: Ambry Variant Classification Scheme 2023. Collection method: clinical testing. Allele origin: germline.
Comment: The p.V791M variant (also known as c.2371G>A), located in coding exon 4 of the ALPK2 gene, results from a G to A substitution at nucleotide position 2371. The valine at codon 791 is replaced by methionine, an amino acid with highly similar properties. This amino acid position is conserved. In addition, this alteration is predicted to be tolerated by in silico analysis. Since supporting evidence is limited at this time, the clinical significance of this alteration remains unclear.

NM_052947.4(ALPK2):c.2371G>A (p.Val791Met)

Gene: ALPK2 (alpha kinase 2; minus strand). Cytogenetic location: 18q21.31.
Variant type: single nucleotide variant.
Coding change: c.2371G>A on transcript NM_052947.4 (MANE Select); coding-DNA position 2371, G replaced by A.
Protein change: p.Val791Met; replaces valine 791 with methionine.
Molecular consequence: missense variant.
Genome position (GRCh38, 1-based): chr18:58,537,816, C>T on the plus strand (G>A on the coding strand, the complement: ALPK2 is on the minus strand). VCF-style: chr18-58537816-C-T. GRCh37 (hg19) VCF-style: chr18-56205048-C-T.
Other names: short protein forms V791M.
Identifiers: ClinVar variation 1790307 (VCV001790307.3), dbSNP rs1170438208, ClinGen allele CA402570919.
Genomic context (GRCh38, chr18:58,537,816, plus strand): 5'-CACCAGCCTCAAAACACTCCATTGCACACACTGCTTCTCTGTCCCTTGGCTCATCACACA[C>T]ATTTTCCAGGGTGAGGGCAGTATCTGTGGGTTCAGGGGAAGCAACAGAGACAGCCACAGG-3'
Protein context (NP_443179.3, residues 781-801): PTDTALTLEN[Val791Met]CDEPRDREAV